The following is an entry in ClinVar:

ClinVar aggregate classification (germline): Conflicting classifications of pathogenicity. Review status: criteria provided, conflicting classifications (1 of 4 stars). 3 submissions from 3 submitters: Uncertain significance (2); Likely benign (1). Last evaluated 2025-09-11.

Conditions:
Lynch syndrome. Identifiers: Orphanet 144, MedGen C4552100, MONDO:0005835. Disease mechanism: loss of function.
Hereditary cancer-predisposing syndrome. Also called: Neoplastic Syndromes, Hereditary; Tumor predisposition; Hereditary neoplastic syndrome; Hereditary Cancer Syndrome. Identifiers: Orphanet 140162, MedGen C0027672, MeSH D009386, MONDO:0015356.
Hereditary nonpolyposis colorectal neoplasms. Identifiers: MedGen C0009405, MeSH D003123.

gnomAD v4.1: 2 of 1,605,298 alleles (0.00012%); highest among the groups gnomAD compares: Non-Finnish European, 0.00017%; no homozygotes.

Submissions (3):

Labcorp Genetics (formerly Invitae), Labcorp
Classification: Uncertain significance for Hereditary nonpolyposis colorectal neoplasms. Last evaluated: 2025-09-11. Review status: criteria provided, single submitter. Criteria: Invitae Variant Classification Sherloc (09022015). Collection method: clinical testing. Allele origin: germline.
Comment: This sequence change replaces proline, which is neutral and non-polar, with serine, which is neutral and polar, at codon 44 of the MSH6 protein (p.Pro44Ser). This variant is not present in population databases (gnomAD no frequency). This variant has not been reported in the literature in individuals affected with MSH6-related conditions. ClinVar contains an entry for this variant (Variation ID: 808749). Invitae Evidence Modeling of protein sequence and biophysical properties (such as structural, functional, and spatial information, amino acid conservation, physicochemical variation, residue mobility, and thermodynamic stability) indicates that this missense variant is not expected to disrupt MSH6 protein function with a negative predictive value of 95%. In summary, the available evidence is currently insufficient to determine the role of this variant in disease. Therefore, it has been classified as a Variant of Uncertain Significance.

Ambry Genetics
Classification: Likely benign for Hereditary cancer-predisposing syndrome. Last evaluated: 2024-08-20. Review status: criteria provided, single submitter. Criteria: Ambry Variant Classification Scheme 2023. Collection method: clinical testing. Allele origin: germline.

All of Us Research Program, National Institutes of Health
Classification: Uncertain significance for Lynch syndrome. Last evaluated: 2023-05-04. Review status: criteria provided, single submitter. Criteria: ACMG Guidelines, 2015. Collection method: clinical testing. Allele origin: germline. Inheritance: Autosomal dominant inheritance. Observed: 1 variant allele, 1 heterozygote.
Comment: This missense variant replaces proline with serine at codon 44 of the MSH6 protein. Computational prediction suggests that this variant may not impact protein structure and function (internally defined REVEL score threshold <= 0.5, PMID: 27666373). To our knowledge, functional studies have not been reported for this variant. This variant has not been reported in individuals affected with MSH6-related disorders in the literature. This variant has not been identified in the general population by the Genome Aggregation Database (gnomAD). The available evidence is insufficient to determine the role of this variant in disease conclusively. Therefore, this variant is classified as a Variant of Uncertain Significance.

This study involves interpretation of variants in research participants for the purpose of population health screening. Participant phenotype was not available at the time of variant classification. Additional details can be found in publication PMID: 35346344, PMCID: PMC8962531

NM_000179.3(MSH6):c.130C>T (p.Pro44Ser)

Gene: MSH6 (mutS homolog 6; plus strand). Cytogenetic location: 2p16.3.
Variant type: single nucleotide variant.
Coding change: c.130C>T on transcript NM_000179.3 (MANE Select); coding-DNA position 130, C replaced by T.
Protein change: p.Pro44Ser; replaces proline 44 with serine.
Molecular consequence: missense variant. On other transcripts: 5 prime UTR variant (1).
Genome position (GRCh38, 1-based): chr2:47,783,363, C>T. VCF-style: chr2-47783363-C-T. GRCh37 (hg19) VCF-style: chr2-48010502-C-T.
Other names: c.130C>T (NM_000179.2); c.130C>T, p.Pro44Ser (NM_001281492.2); c.-607C>T (NM_001281493.2); short protein forms P44S.
Identifiers: ClinVar variation 808749 (VCV000808749.22), dbSNP rs1558645097, ClinGen allele CA346734892.